The following is an entry in ClinVar:

NC_000007.13:g.(?_96318236)_(97493828_?)dup

Genes: ASNS (asparagine synthetase (glutamine-hydrolyzing); minus strand), DLX5 (distal-less homeobox 5; minus strand), DLX6 (distal-less homeobox 6; plus strand), SDHAF3 (succinate dehydrogenase complex assembly factor 3; plus strand), SEM1 (SEM1 26S proteasome subunit; minus strand) and 1 more. Cytogenetic location: 7q21.3.
Variant type: Duplication.
Identifiers: ClinVar variation 2427215 (VCV002427215.4).

ClinVar aggregate classification (germline): Uncertain significance (1 of 4 stars; one submission).

Submission:

Labcorp Genetics (formerly Invitae), Labcorp
Classification: Uncertain significance. Last evaluated: 2022-08-10. Review status: criteria provided, single submitter. Criteria: Invitae Variant Classification Sherloc (09022015). Collection method: clinical testing. Allele origin: germline.
Comment: In summary, the available evidence is currently insufficient to determine the role of this variant in disease. Therefore, it has been classified as a Variant of Uncertain Significance. Experimental studies and prediction algorithms are not available or were not evaluated, and the functional significance of this variant is currently unknown. This variant has not been reported in the literature in individuals affected with ASNS-related conditions. This variant results in a copy number gain of the genomic region encompassing exon(s) 4-13 of the ASNS gene. This region includes the termination codon of the gene. This copy number gain extends beyond the assayed region for this gene and therefore may encompass additional genes. As the precise location of this event is unknown, it may be in tandem or it may be located elsewhere in the genome.